The following is an entry in ClinVar:

NM_001039141.3(TRIOBP):c.4298C>T (p.Pro1433Leu)

Gene: TRIOBP (TRIO and F-actin binding protein; plus strand). Cytogenetic location: 22q13.1.
Variant type: single nucleotide variant.
Coding change: c.4298C>T on transcript NM_001039141.3 (MANE Select); coding-DNA position 4298, C replaced by T.
Protein change: p.Pro1433Leu; replaces proline 1433 with leucine.
Molecular consequence: missense variant.
Genome position (GRCh38, 1-based): chr22:37,734,634, C>T. VCF-style: chr22-37734634-C-T. GRCh37 (hg19) VCF-style: chr22-38130641-C-T.
Other names: short protein forms P1433L.
Identifiers: ClinVar variation 805684 (VCV000805684.4), dbSNP rs761830009, ClinGen allele CA10224346.

ClinVar aggregate classification (germline): Uncertain significance. Review status: criteria provided, multiple submitters, no conflicts (2 of 4 stars). 2 submissions from 2 submitters: Uncertain significance (2). Last evaluated 2023-05-15.

Allele frequency attached by ClinVar (database versions not stated): ExAC 0.00002; gnomAD exomes 0.00002 and 0.00006; TOPMed 0.00003; gnomAD 0.00005.
gnomAD v4.1: 87 of 1,589,178 alleles (0.0055%); highest among the groups gnomAD compares: Non-Finnish European, 0.0068%; no homozygotes.

Submissions (2):

Labcorp Genetics (formerly Invitae), Labcorp
Classification: Uncertain significance. Last evaluated: 2023-05-15. Review status: criteria provided, single submitter. Criteria: Invitae Variant Classification Sherloc (09022015). Collection method: clinical testing. Allele origin: germline.
Comment: In summary, the available evidence is currently insufficient to determine the role of this variant in disease. Therefore, it has been classified as a Variant of Uncertain Significance. Algorithms developed to predict the effect of missense changes on protein structure and function output the following: SIFT: "Not Available"; PolyPhen-2: "Benign"; Align-GVGD: "Not Available". The leucine amino acid residue is found in multiple mammalian species, which suggests that this missense change does not adversely affect protein function. ClinVar contains an entry for this variant (Variation ID: 805684). This variant has not been reported in the literature in individuals affected with TRIOBP-related conditions. The frequency data for this variant in the population databases is considered unreliable, as metrics indicate poor data quality at this position in the gnomAD database. This sequence change replaces proline, which is neutral and non-polar, with leucine, which is neutral and non-polar, at codon 1433 of the TRIOBP protein (p.Pro1433Leu).

Athena Diagnostics
Classification: Uncertain significance. Last evaluated: 2018-11-01. Review status: criteria provided, single submitter. Criteria: Athena Diagnostics Criteria. Collection method: clinical testing. Allele origin: germline.